The following is an entry in ClinVar:

NM_001114753.3(ENG):c.15del (p.Leu6fs)

Gene: ENG (endoglin; minus strand). Cytogenetic location: 9q34.11.
Variant type: Deletion.
Coding change: c.15del on transcript NM_001114753.3 (MANE Select); coding-DNA position 15, one base deleted (G; older notation c.15delG).
Protein change: p.Leu6fs; shifts the reading frame from leucine 6.
Molecular consequence: frameshift variant.
Genome position (GRCh38, 1-based): chr9:127,854,341, C deleted on the plus strand (G on the coding strand, the reverse complement: ENG is on the minus strand). VCF-style (leftmost placement, unchanged base first): chr9-127854340-GC-G. GRCh37 (hg19) VCF-style: chr9-130616619-GC-G.
Other names: c.15del, p.Leu6fs (NM_000118.4, NM_001406715.1); short protein forms L6fs.
Identifiers: ClinVar variation 4732875 (VCV004732875.1).

ClinVar aggregate classification (germline): Pathogenic (1 of 4 stars; one submission).

Conditions:
Hereditary hemorrhagic telangiectasia (HHT). Also called: ORW DISEASE; Osler Weber Rendu syndrome; OSLER-RENDU-WEBER DISEASE; Osler hemorrhagic telangiectasia syndrome. Identifiers: Orphanet 774, MedGen C0039445, MONDO:0019180. Disease mechanism: loss of function.

Submission:

Labcorp Genetics (formerly Invitae), Labcorp
Classification: Pathogenic for Hereditary hemorrhagic telangiectasia. Last evaluated: 2025-12-09. Review status: criteria provided, single submitter. Criteria: Invitae Variant Classification Sherloc (09022015). Collection method: clinical testing. Allele origin: germline.
Comment: This sequence change creates a premature translational stop signal (p.Leu6Serfs*37) in the ENG gene. It is expected to result in an absent or disrupted protein product. Loss-of-function variants in ENG are known to be pathogenic (PMID: 15879500). This variant is not present in population databases (gnomAD no frequency). This variant has not been reported in the literature in individuals affected with ENG-related conditions. For these reasons, this variant has been classified as Pathogenic.

Literature cited by the submitters: PubMed 15879500.